The following is an entry in ClinVar:

ClinVar aggregate classification (germline): Pathogenic. Review status: criteria provided, multiple submitters, no conflicts (2 of 4 stars). 7 submissions from 7 submitters: Pathogenic (5). 2 of the submissions do not count toward it. Last evaluated 2025-11-11.

Conditions:
RSPH3-related disorder. Also called: RSPH3-related condition.
Primary ciliary dyskinesia 32. Also called: CILIARY DYSKINESIA, PRIMARY, 32, WITHOUT SITUS INVERSUS. Identifiers: Orphanet 244, MedGen C4225311, MONDO:0014657, OMIM 616481.

Allele frequency attached by ClinVar (database versions not stated): gnomAD exomes 0.00001 and 0.00005; gnomAD 0.00002 and 0.00004; TOPMed 0.00003; ExAC 0.00007; 1000 Genomes Project 0.00060; 1000 Genomes Project 30x 0.00062.
gnomAD v4.1: 21 of 1,603,358 alleles (0.0013%); highest among the groups gnomAD compares: Middle Eastern, 0.033%; no homozygotes.

Submissions (8):

Labcorp Genetics (formerly Invitae), Labcorp
Classification: Pathogenic for Primary ciliary dyskinesia 32. Last evaluated: 2025-11-11. Review status: criteria provided, single submitter. Criteria: Invitae Variant Classification Sherloc (09022015). Collection method: clinical testing. Allele origin: germline.
Comment: This sequence change affects an acceptor splice site in intron 2 of the RSPH3 gene. It is expected to disrupt RNA splicing. Variants that disrupt the donor or acceptor splice site typically lead to a loss of protein function (PMID: 16199547), and loss-of-function variants in RSPH3 are known to be pathogenic (PMID: 26073779). This variant is present in population databases (rs142800871, gnomAD 0.01%). Disruption of this splice site has been observed in individual(s) with primary ciliary dyskinesia (PMID: 26073779). ClinVar contains an entry for this variant (Variation ID: 209010). Algorithms developed to predict the effect of sequence changes on RNA splicing suggest that this variant may disrupt the consensus splice site. For these reasons, this variant has been classified as Pathogenic.

Genomic Medicine Center of Excellence, King Faisal Specialist Hospital and Research Centre
Classification: Pathogenic for Primary ciliary dyskinesia 32. Last evaluated: 2025-09-10. Review status: criteria provided, single submitter. Criteria: ACMG Guidelines, 2015. Collection method: clinical testing. Allele origin: germline.

Mayo Clinic Laboratories, Mayo Clinic
Classification: Pathogenic. Last evaluated: 2025-02-24. Review status: criteria provided, single submitter. Criteria: ACMG Guidelines, 2015. Collection method: clinical testing. Allele origin: germline. Observed: 1 variant allele.
Comment: PP4, PM3, PVS1

Blueprint Genetics
Classification: Pathogenic for RSPH3-related disorders. Last evaluated: 2024-11-25. Review status: criteria provided, single submitter. Criteria: ACMG Guidelines, 2015. Collection method: clinical testing. Allele origin: germline. Affected: yes. Observed: 5 variant alleles.

3billion
Classification: Pathogenic for Primary ciliary dyskinesia 32. Last evaluated: 2024-09-13. Review status: criteria provided, single submitter. Criteria: ACMG Guidelines, 2015. Collection method: clinical testing. Allele origin: germline. Affected: yes.
Comment: The variant is observed at an extremely low frequency in the gnomAD v4.0.0 dataset (total allele frequency: 0.001%). Predicted Consequence/Location: Canonical splice site: predicted to alter splicing and result in a loss or disruption of normal protein function. Multiple pathogenic loss-of-function variants are reported downstream of the variant. In silico tools predict the variant to alter splicing and produce an abnormal transcript [SpliceAI: 0.49 (spliceogenicity >=0.2, non-spliceogenicity <0.1)]. The variant has been reported at least twice as pathogenic without evidence for the classification (ClinVar ID: VCV000209010 /PMID: 26073779). Therefore, this variant is classified as Pathogenic according to the recommendation of ACMG/AMP guideline.

PreventionGenetics, part of Exact Sciences
Classification: Likely pathogenic for RSPH3-related condition. Last evaluated: 2024-07-08. Review status: no assertion criteria provided. Collection method: clinical testing. Allele origin: germline. Not counted in ClinVar's aggregate classification.
Comment: The RSPH3 c.631-2A>G variant is predicted to disrupt the AG splice acceptor site and interfere with normal splicing. This variant has been reported in the homozygous and compound heterozygous states in individuals with primary ciliary dyskinesia (Jeanson et al. 2015. PubMed ID: 26073779). This variant is reported in 0.0096% of alleles in individuals of Latino descent in gnomAD. Variants that disrupt the consensus splice acceptor site in RSPH3 are expected to be pathogenic. This variant is interpreted as likely pathogenic.

OMIM
Classification: Pathogenic for CILIARY DYSKINESIA, PRIMARY, 32. Last evaluated: 2015-07-02. Review status: no assertion criteria provided. Collection method: literature only. Allele origin: germline. Not counted in ClinVar's aggregate classification.

Dr. Peter K. Rogan Lab, Western University
No classification provided (evidence only). Condition: Clear cell carcinoma of kidney. Review status: no classification provided. Collection method: in vitro. Allele origin: not applicable. Functional consequence: skipped exon, retained intron. Not counted in ClinVar's aggregate classification.

Literature cited by the submitters: PubMed 16199547 (cited by Labcorp Genetics (formerly Invitae), Labcorp); PubMed 26073779 (cited by 4 submitters).

NM_031924.8(RSPH3):c.205-2A>G

Gene: RSPH3 (radial spoke head 3; minus strand). Cytogenetic location: 6q25.3.
Variant type: single nucleotide variant.
Coding change: c.205-2A>G on transcript NM_031924.8 (MANE Select); the canonical splice acceptor site of the intron before coding-DNA position 205, A replaced by G.
Molecular consequence: splice acceptor variant. On other transcripts: intron variant (1).
Genome position (GRCh38, 1-based): chr6:158,986,423, T>C on the plus strand (A>G on the coding strand, the complement: RSPH3 is on the minus strand). VCF-style: chr6-158986423-T-C. GRCh37 (hg19) VCF-style: chr6-159407455-T-C.
Other names: IVS2AS, A-G, -2; c.631-2A>G (NM_031924.5, NM_031924.6); c.631-3735A>G (NM_001346418.1).
Identifiers: ClinVar variation 209010 (VCV000209010.18), dbSNP rs142800871, ClinGen allele CA346963.